The following is an entry in ClinVar:

NM_145262.4(GLYCTK):c.689C>T (p.Ala230Val)

Gene: GLYCTK (glycerate kinase; plus strand). Cytogenetic location: 3p21.2.
Variant type: single nucleotide variant.
Coding change: c.689C>T on transcript NM_145262.4 (MANE Select); coding-DNA position 689, C replaced by T.
Protein change: p.Ala230Val; replaces alanine 230 with valine.
Molecular consequence: missense variant. On other transcripts: non-coding transcript variant (3), intron variant (1).
Genome position (GRCh38, 1-based): chr3:52,291,906, C>T. VCF-style: chr3-52291906-C-T. GRCh37 (hg19) VCF-style: chr3-52325922-C-T.
Other names: c.530-354C>T (NM_001144951.2); short protein forms A230V.
Identifiers: ClinVar variation 1353500 (VCV001353500.8), dbSNP rs189538477, ClinGen allele CA2432149.

ClinVar aggregate classification (germline): Uncertain significance. Review status: criteria provided, multiple submitters, no conflicts (2 of 4 stars). 2 submissions from 2 submitters: Uncertain significance (2). Last evaluated 2024-12-16.

Allele frequency attached by ClinVar (database versions not stated): gnomAD 0.00003; gnomAD exomes 0.00005 and 0.00024; TOPMed 0.00008; ExAC 0.00019; 1000 Genomes Project 0.00020; 1000 Genomes Project 30x 0.00047.
gnomAD v4.1: 70 of 1,613,006 alleles (0.0043%); highest among the groups gnomAD compares: Admixed American, 0.11%; no homozygotes.

Submissions (2):

Labcorp Genetics (formerly Invitae), Labcorp
Classification: Uncertain significance. Last evaluated: 2024-12-16. Review status: criteria provided, single submitter. Criteria: Invitae Variant Classification Sherloc (09022015). Collection method: clinical testing. Allele origin: germline.
Comment: This sequence change replaces alanine, which is neutral and non-polar, with valine, which is neutral and non-polar, at codon 230 of the GLYCTK protein (p.Ala230Val). This variant is present in population databases (rs189538477, gnomAD 0.2%). This variant has not been reported in the literature in individuals affected with GLYCTK-related conditions. ClinVar contains an entry for this variant (Variation ID: 1353500). Invitae Evidence Modeling of protein sequence and biophysical properties (such as structural, functional, and spatial information, amino acid conservation, physicochemical variation, residue mobility, and thermodynamic stability) indicates that this missense variant is not expected to disrupt GLYCTK protein function with a negative predictive value of 80%. In summary, the available evidence is currently insufficient to determine the role of this variant in disease. Therefore, it has been classified as a Variant of Uncertain Significance.

Breakthrough Genomics
Classification: Uncertain significance. Review status: criteria provided, single submitter. Criteria: ACMG Guidelines, 2015. Collection method: not provided. Allele origin: germline. Inheritance: Autosomal recessive inheritance. Affected: yes.